The following is an entry in ClinVar:

ClinVar aggregate classification (germline): Conflicting classifications of pathogenicity. Review status: criteria provided, conflicting classifications (1 of 4 stars). 9 submissions from 9 submitters: Uncertain significance (5); Likely benign (1). 3 of the submissions do not count toward it. Last evaluated 2026-09-23.

Conditions:
HARS1-related disorder. Also called: HARS1-related condition.
Usher syndrome type 3B. Also called: USHER SYNDROME, TYPE IIIB. Identifiers: MedGen C3281066, MONDO:0013788, OMIM 614504.

Allele frequency attached by ClinVar (database versions not stated): ESP Exome Variant Server 0.00015; 1000 Genomes Project 30x 0.00016; 1000 Genomes Project 0.00020; TOPMed 0.00024; ExAC 0.00026; gnomAD exomes 0.00026 and 0.00043; gnomAD 0.00029 and 0.00031.
gnomAD v4.1: 666 of 1,594,074 alleles (0.042%); highest among the groups gnomAD compares: Non-Finnish European, 0.051%; no homozygotes.

Submissions (9):

GeneDx
Classification: Uncertain significance. Last evaluated: 2026-09-23. Review status: criteria provided, single submitter. Criteria: GeneDx Variant Classification Process June 2021. Collection method: clinical testing. Allele origin: germline.
Comment: In silico analysis supports that this missense variant has a deleterious effect on protein structure/function; In silico analysis is inconclusive as to whether the variant alters gene splicing. In the absence of RNA/functional studies, the actual effect of this sequence change is unknown.; Has not been previously published as pathogenic or benign to our knowledge

PreventionGenetics, part of Exact Sciences
Classification: Uncertain significance for HARS1-related condition. Last evaluated: 2026-06-08. Review status: criteria provided, single submitter. Criteria: ACMG Guidelines, 2015. Collection method: clinical testing. Allele origin: germline.
Comment: The HARS1 c.382C>T variant is predicted to result in the amino acid substitution p.Arg128Cys. To our knowledge, this variant has not been reported in the literature. This variant is reported in 0.045% of alleles in individuals of European (non-Finnish) descent in gnomAD. At this time, the clinical significance of this variant is uncertain due to the absence of conclusive functional and genetic evidence.

Labcorp Genetics (formerly Invitae), Labcorp
Classification: Uncertain significance for Usher syndrome type 3B. Last evaluated: 2026-01-17. Review status: criteria provided, single submitter. Criteria: Invitae Variant Classification Sherloc (09022015). Collection method: clinical testing. Allele origin: germline.
Comment: This sequence change replaces arginine, which is basic and polar, with cysteine, which is neutral and slightly polar, at codon 128 of the HARS protein (p.Arg128Cys). This variant is present in population databases (rs138582560, gnomAD 0.05%). This variant has not been reported in the literature in individuals affected with HARS-related conditions. ClinVar contains an entry for this variant (Variation ID: 351240). Invitae Evidence Modeling of protein sequence and biophysical properties (such as structural, functional, and spatial information, amino acid conservation, physicochemical variation, residue mobility, and thermodynamic stability) indicates that this missense variant is expected to disrupt HARS protein function with a positive predictive value of 80%. Algorithms developed to predict the effect of sequence changes on RNA splicing suggest that this variant may disrupt the consensus splice site. In summary, the available evidence is currently insufficient to determine the role of this variant in disease. Therefore, it has been classified as a Variant of Uncertain Significance.

Blueprint Genetics
Classification: Uncertain significance. Last evaluated: 2024-10-07. Review status: criteria provided, single submitter. Criteria: ACMG Guidelines, 2015. Collection method: clinical testing. Allele origin: germline.

CeGaT Center for Human Genetics Tuebingen
Classification: Uncertain significance. Last evaluated: 2024-02-01. Review status: criteria provided, single submitter. Criteria: CeGaT Center For Human Genetics Tuebingen Variant Classification Criteria Version 2. Collection method: clinical testing. Allele origin: germline. Affected: yes. Observed: 1 variant allele.
Comment: HARS1: PM2:Supporting, PP3

Ambry Genetics
Classification: Likely benign. Last evaluated: 2022-06-27. Review status: criteria provided, single submitter. Criteria: Ambry Variant Classification Scheme 2023. Collection method: clinical testing. Allele origin: germline.

Clinical Genetics DNA and cytogenetics Diagnostics Lab, Erasmus MC, Erasmus Medical Center
Classification: Uncertain significance. Review status: no assertion criteria provided. Collection method: clinical testing. Allele origin: germline. Affected: yes. Study: VKGL Data-share Consensus. Not counted in ClinVar's aggregate classification.

Clinical Genetics, Academic Medical Center
Classification: Uncertain significance. Review status: no assertion criteria provided. Collection method: clinical testing. Allele origin: germline. Affected: yes. Study: VKGL Data-share Consensus. Not counted in ClinVar's aggregate classification.

Joint Genome Diagnostic Labs from Nijmegen and Maastricht, Radboudumc and MUMC+
Classification: Uncertain significance. Review status: no assertion criteria provided. Collection method: clinical testing. Allele origin: germline. Affected: yes. Study: VKGL Data-share Consensus. Not counted in ClinVar's aggregate classification.

NM_002109.6(HARS1):c.382C>T (p.Arg128Cys)

Gene: HARS1 (histidyl-tRNA synthetase 1; minus strand). Cytogenetic location: 5q31.3.
Variant type: single nucleotide variant.
Coding change: c.382C>T on transcript NM_002109.6 (MANE Select); coding-DNA position 382, C replaced by T.
Protein change: p.Arg128Cys; replaces arginine 128 with cysteine.
Molecular consequence: missense variant. On other transcripts: intron variant (2).
Genome position (GRCh38, 1-based): chr5:140,679,802, G>A on the plus strand (C>T on the coding strand, the complement: HARS1 is on the minus strand). VCF-style: chr5-140679802-G-A. GRCh37 (hg19) VCF-style: chr5-140059387-G-A.
Other names: c.262C>T, p.Arg88Cys (NM_001258040.3, NM_001258042.3); c.382C>T, p.Arg128Cys (NM_001258041.3); c.295C>T, p.Arg99Cys (NM_001289094.2); c.181-1787C>T (NM_001289093.2); c.301-1787C>T (NM_001289092.2); short protein forms R128C, R99C, R88C.
Identifiers: ClinVar variation 351240 (VCV000351240.50), dbSNP rs138582560, ClinGen allele CA3444129.